The following is an entry in ClinVar:

ClinVar aggregate classification (germline): Uncertain significance. Review status: criteria provided, multiple submitters, no conflicts (2 of 4 stars). 3 submissions from 3 submitters: Uncertain significance (3). Last evaluated 2025-11-03.

Conditions:
Inborn genetic diseases. Identifiers: MedGen C0950123, MeSH D030342.
Developmental and epileptic encephalopathy. Identifiers: MedGen C5779964, MONDO:0100620.

Allele frequency attached by ClinVar (database versions not stated): TOPMed 0.00002.
gnomAD v4.1: 88 of 1,605,558 alleles (0.0055%); highest among the groups gnomAD compares: Non-Finnish European, 0.0074%; no homozygotes.

Submissions (3):

Ambry Genetics
Classification: Uncertain significance for Inborn genetic diseases. Last evaluated: 2025-11-03. Review status: criteria provided, single submitter. Criteria: Ambry Variant Classification Scheme 2023. Collection method: clinical testing. Allele origin: germline.

Labcorp Genetics (formerly Invitae), Labcorp
Classification: Uncertain significance for Early-infantile DEE. Last evaluated: 2022-03-04. Review status: criteria provided, single submitter. Criteria: Invitae Variant Classification Sherloc (09022015). Collection method: clinical testing. Allele origin: germline.
Comment: This sequence change replaces arginine, which is basic and polar, with leucine, which is neutral and non-polar, at codon 175 of the SLC25A22 protein (p.Arg175Leu). This variant is present in population databases (rs769329043, gnomAD 0.006%). This variant has not been reported in the literature in individuals affected with SLC25A22-related conditions. ClinVar contains an entry for this variant (Variation ID: 207167). Algorithms developed to predict the effect of missense changes on protein structure and function are either unavailable or do not agree on the potential impact of this missense change (SIFT: "Deleterious"; PolyPhen-2: "Possibly Damaging"; Align-GVGD: "Class C0"). In summary, the available evidence is currently insufficient to determine the role of this variant in disease. Therefore, it has been classified as a Variant of Uncertain Significance.

GeneDx
Classification: Uncertain significance. Last evaluated: 2019-06-07. Review status: criteria provided, single submitter. Criteria: GeneDx Variant Classification Process June 2021. Collection method: clinical testing. Allele origin: germline. Affected: yes.
Comment: Not observed at a significant frequency in large population cohorts (Lek et al., 2016); In silico analysis, which includes protein predictors and evolutionary conservation, supports a deleterious effect; Has not been previously published as pathogenic or benign to our knowledge

NM_001191061.2(SLC25A22):c.524G>T (p.Arg175Leu)

Gene: SLC25A22 (solute carrier family 25 member 22; minus strand). Cytogenetic location: 11p15.5.
Variant type: single nucleotide variant.
Coding change: c.524G>T on transcript NM_001191061.2 (MANE Select); coding-DNA position 524, G replaced by T.
Protein change: p.Arg175Leu; replaces arginine 175 with leucine.
Molecular consequence: missense variant.
Genome position (GRCh38, 1-based): chr11:792,616, C>A on the plus strand (G>T on the coding strand, the complement: SLC25A22 is on the minus strand). VCF-style: chr11-792616-C-A. GRCh37 (hg19) VCF-style: chr11-792616-C-A.
Other names: p.R175L:CGC>CTC; c.524G>T, p.Arg175Leu (NM_001191060.2, NM_024698.6); short protein forms R175L.
Identifiers: ClinVar variation 207167 (VCV000207167.13), dbSNP rs769329043, ClinGen allele CA318379.
Genomic context (GRCh38, chr11:792,616, plus strand): 5'-AGCAGCGTGGCCCCGAGTCCCTTGTAGAGACCGGCAATGCCACGGCTCCGCAGCAGGTCG[C>A]GGGTCAGCTGGGTGGCCGTGGGCCGAGGGGCAGCTGGAGCCTCCACTGAGGGCTGGGCAC-3'
Protein context (NP_001177990.1, residues 165-185): APRPTATQLT[Arg175Leu]DLLRSRGIAG